The following is an entry in ClinVar:

NM_006767.4(LZTR1):c.1260+5G>C

Gene: LZTR1 (leucine zipper like post translational regulator 1; plus strand). Cytogenetic location: 22q11.21.
Variant type: single nucleotide variant.
Coding change: c.1260+5G>C on transcript NM_006767.4 (MANE Select); 5 bases into the intron after coding-DNA position 1260, G replaced by C.
Molecular consequence: intron variant.
Genome position (GRCh38, 1-based): chr22:20,992,909, G>C. VCF-style: chr22-20992909-G-C. GRCh37 (hg19) VCF-style: chr22-21347198-G-C.
Other names: c.1260+5G>C (NM_006767.3).
Identifiers: ClinVar variation 2676383 (VCV002676383.7), dbSNP rs771964511, ClinGen allele CA2577656143.

ClinVar aggregate classification (germline): Conflicting classifications of pathogenicity. Review status: criteria provided, conflicting classifications (1 of 4 stars). 4 submissions from 4 submitters: Uncertain significance (3); Likely benign (1). Last evaluated 2026-09-11.

Conditions:
LZTR1-related schwannomatosis. Also called: Schwannomatosis 2; Schwannomatosis-2, susceptibility to. Identifiers: Orphanet 93921, MedGen C3810283, MONDO:0014299, OMIM 615670.
Cardiovascular phenotype. Identifiers: MedGen CN230736.
Hereditary cancer-predisposing syndrome. Also called: Hereditary neoplastic syndrome; Hereditary Cancer Syndrome; Neoplastic Syndromes, Hereditary; Tumor predisposition. Identifiers: Orphanet 140162, MedGen C0027672, MeSH D009386, MONDO:0015356.

Submissions (4):

Ambry Genetics
Classification: Likely benign for Cardiovascular phenotype; Hereditary cancer-predisposing syndrome. Last evaluated: 2026-09-11. Review status: criteria provided, single submitter. Criteria: Ambry Variant Classification Scheme 2023. Collection method: clinical testing. Allele origin: germline.

Labcorp Genetics (formerly Invitae), Labcorp
Classification: Uncertain significance. Last evaluated: 2025-08-19. Review status: criteria provided, single submitter. Criteria: Invitae Variant Classification Sherloc (09022015). Collection method: clinical testing. Allele origin: germline.
Comment: This sequence change falls in intron 11 of the LZTR1 gene. It does not directly change the encoded amino acid sequence of the LZTR1 protein. It affects a nucleotide within the consensus splice site. This variant is not present in population databases (gnomAD no frequency). This variant has not been reported in the literature in individuals affected with LZTR1-related conditions. ClinVar contains an entry for this variant (Variation ID: 2676383). Variants that disrupt the consensus splice site are a relatively common cause of aberrant splicing (PMID: 17576681, 9536098). Algorithms developed to predict the effect of sequence changes on RNA splicing suggest that this variant may disrupt the consensus splice site. In summary, the available evidence is currently insufficient to determine the role of this variant in disease. Therefore, it has been classified as a Variant of Uncertain Significance.

GeneDx
Classification: Uncertain significance. Last evaluated: 2024-05-10. Review status: criteria provided, single submitter. Criteria: GeneDx Variant Classification Process June 2021. Collection method: clinical testing. Allele origin: germline. Affected: yes.
Comment: Not observed at significant frequency in large population cohorts (gnomAD); Has not been previously published as pathogenic or benign to our knowledge; In silico analysis suggests this variant may impact gene splicing. In the absence of RNA/functional studies, the actual effect of this sequence change is unknown.

Baylor Genetics
Classification: Uncertain significance for LZTR1-related schwannomatosis. Last evaluated: 2023-10-20. Review status: criteria provided, single submitter. Criteria: ACMG Guidelines, 2015. Collection method: clinical testing. Allele origin: unknown.

Literature cited by the submitters: PubMed 17576681 (cited by Labcorp Genetics (formerly Invitae), Labcorp); PubMed 9536098 (cited by Labcorp Genetics (formerly Invitae), Labcorp).